The following is an entry in ClinVar:

NM_014874.4(MFN2):c.813G>C (p.Glu271Asp)

Gene: MFN2 (mitofusin 2; plus strand). Cytogenetic location: 1p36.22.
Variant type: single nucleotide variant.
Coding change: c.813G>C on transcript NM_014874.4 (MANE Select); coding-DNA position 813, G replaced by C.
Protein change: p.Glu271Asp; replaces glutamic acid 271 with aspartic acid.
Molecular consequence: missense variant.
Genome position (GRCh38, 1-based): chr1:11,999,092, G>C. VCF-style: chr1-11999092-G-C. GRCh37 (hg19) VCF-style: chr1-12059149-G-C.
Other names: c.813G>C, p.Glu271Asp (NM_001127660.2); short protein forms E271D.
Identifiers: ClinVar variation 2006256 (VCV002006256.4), dbSNP rs777689961, ClinGen allele CA338439545.

ClinVar aggregate classification (germline): Uncertain significance (1 of 4 stars; one submission).

Conditions:
Charcot-Marie-Tooth disease type 2. Also called: Charcot-Marie-Tooth type 2. Identifiers: Orphanet 64746, MedGen C0270914, MONDO:0018993.

gnomAD v4.1: 1 of 1,614,078 alleles (0.000062%); no homozygotes.

Submission:

Labcorp Genetics (formerly Invitae), Labcorp
Classification: Uncertain significance for Charcot-Marie-Tooth disease type 2. Last evaluated: 2022-06-14. Review status: criteria provided, single submitter. Criteria: Invitae Variant Classification Sherloc (09022015). Collection method: clinical testing. Allele origin: germline.
Comment: This variant has not been reported in the literature in individuals affected with MFN2-related conditions. This variant is not present in population databases (gnomAD no frequency). This sequence change replaces glutamic acid, which is acidic and polar, with aspartic acid, which is acidic and polar, at codon 271 of the MFN2 protein (p.Glu271Asp). Algorithms developed to predict the effect of missense changes on protein structure and function (SIFT, PolyPhen-2, Align-GVGD) all suggest that this variant is likely to be tolerated. In summary, the available evidence is currently insufficient to determine the role of this variant in disease. Therefore, it has been classified as a Variant of Uncertain Significance.